The following is an entry in ClinVar:

NM_152424.4(AMER1):c.3395A>G (p.Asn1132Ser)

Gene: AMER1 (APC membrane recruitment protein 1; minus strand). Cytogenetic location: Xq11.2.
Variant type: single nucleotide variant.
Coding change: c.3395A>G on transcript NM_152424.4 (MANE Select); coding-DNA position 3395, A replaced by G.
Protein change: p.Asn1132Ser; replaces asparagine 1132 with serine.
Molecular consequence: missense variant.
Genome position (GRCh38, 1-based): chrX:64,189,892, T>C on the plus strand (A>G on the coding strand, the complement: AMER1 is on the minus strand). VCF-style: chrX-64189892-T-C. GRCh37 (hg19) VCF-style: chrX-63409772-T-C.
Other names: short protein forms N1132S.
Identifiers: ClinVar variation 3684490 (VCV003684490.2).

ClinVar aggregate classification (germline): Uncertain significance (1 of 4 stars; one submission).

gnomAD v4.1: 7 of 1,179,368 alleles (0.00059%); highest among the groups gnomAD compares: South Asian, 0.013%; no homozygotes.

Submission:

Labcorp Genetics (formerly Invitae), Labcorp
Classification: Uncertain significance. Last evaluated: 2025-03-22. Review status: criteria provided, single submitter. Criteria: Invitae Variant Classification Sherloc (09022015). Collection method: clinical testing. Allele origin: germline.
Comment: This sequence change replaces asparagine, which is neutral and polar, with serine, which is neutral and polar, at codon 1132 of the AMER1 protein (p.Asn1132Ser). This variant is present in population databases (rs560887174, gnomAD 0.01%). This variant has not been reported in the literature in individuals affected with AMER1-related conditions. An algorithm developed to predict the effect of missense changes on protein structure and function outputs the following: PolyPhen-2: "Benign". The serine amino acid residue is found in multiple mammalian species, which suggests that this missense change does not adversely affect protein function. In summary, the available evidence is currently insufficient to determine the role of this variant in disease. Therefore, it has been classified as a Variant of Uncertain Significance.